The following is an entry in ClinVar:

ClinVar aggregate classification (germline): Pathogenic/Likely pathogenic. Review status: criteria provided, multiple submitters, no conflicts (2 of 4 stars). 5 submissions from 5 submitters: Pathogenic (4); Likely pathogenic (1). Last evaluated 2025-09-03.

Conditions:
Developmental delay with or without dysmorphic facies and autism. Identifiers: MedGen C5193106, MONDO:0032760, OMIM 618454.
Inborn genetic diseases. Identifiers: MedGen C0950123, MeSH D030342.

Submissions (5):

3billion
Classification: Pathogenic for Developmental delay with or without dysmorphic facies and autism. Last evaluated: 2025-09-03. Review status: criteria provided, single submitter. Criteria: ACMG Guidelines, 2015. Collection method: clinical testing. Allele origin: germline. Affected: yes.
Comment: The variant is not observed in the gnomAD v4.1.0 dataset. Predicted Consequence/Location: Missense variant. Missense changes are a common disease-causing mechanism. Functional studies provide strong evidence of the variant having a damaging effect on the gene or gene product (PMID: 30827496). In silico tool predictions suggest damaging effect of the variant on gene or gene product [REVEL: 0.60 (>=0.6, sensitivity 0.68 and specificity 0.92)]. The same nucleotide change resulting in the same amino acid change has been previously reported as pathogenic/likely pathogenic with strong evidence (ClinVar ID: VCV001028623). The variant has been previously reported as de novo in a similarly affected individual (PMID: 30827496). Therefore, this variant is classified as Pathogenic according to the recommendation of ACMG/AMP guideline.

Daryl Scott Lab, Baylor College of Medicine
Classification: Pathogenic for Developmental delay with or without dysmorphic facies and autism. Last evaluated: 2025-08-25. Review status: criteria provided, single submitter. Criteria: ACMG Guidelines, 2015. Collection method: clinical testing. Allele origin: de novo. Affected: yes. Observed: 1 heterozygote.
Comment: PS2, PM2, PP3

Ambry Genetics
Classification: Likely pathogenic for Inborn genetic diseases. Last evaluated: 2025-04-24. Review status: criteria provided, single submitter. Criteria: Ambry Variant Classification Scheme 2023. Collection method: clinical testing. Allele origin: germline.
Comment: The c.3311A>G (p.E1104G) alteration is located in exon 24 (coding exon 23) of the TRRAP gene. This alteration results from an A to G substitution at nucleotide position 3311, causing the glutamic acid (E) at amino acid position 1104 to be replaced by a glycine (G). This variant was not reported in population-based cohorts in the Genome Aggregation Database (gnomAD). This variant was determined to be de novo in at least one individual with features consistent with TRRAP-related neurodevelopmental disorder (Cogn&eacute;, 2019; external communication). This amino acid position is highly conserved in available vertebrate species. The in silico prediction for this alteration is inconclusive. Based on the available evidence, this alteration is classified as likely pathogenic.

GeneDx
Classification: Pathogenic. Last evaluated: 2023-09-12. Review status: criteria provided, single submitter. Criteria: GeneDx Variant Classification Process June 2021. Collection method: clinical testing. Allele origin: germline. Affected: yes.
Comment: Not observed at significant frequency in large population cohorts (gnomAD); In silico analysis supports that this missense variant has a deleterious effect on protein structure/function; This variant is associated with the following publications: (PMID: 31785789, 30827496, 28135719)

Baylor Genetics
Classification: Pathogenic for Developmental delay with or without dysmorphic facies and autism. Last evaluated: 2020-04-22. Review status: criteria provided, single submitter. Criteria: ACMG Guidelines, 2015. Collection method: clinical testing. Allele origin: unknown. Affected: yes.
Comment: This variant was determined to be pathogenic according to ACMG Guidelines, 2015 [PMID:25741868].

Literature cited by the submitters: PubMed 30827496 (cited by 3billion and Ambry Genetics).

NM_001375524.1(TRRAP):c.3311A>G (p.Glu1104Gly)

Gene: TRRAP (transformation/transcription domain associated protein; plus strand). Cytogenetic location: 7q22.1.
Variant type: single nucleotide variant.
Coding change: c.3311A>G on transcript NM_001375524.1 (MANE Select); coding-DNA position 3311, A replaced by G.
Protein change: p.Glu1104Gly; replaces glutamic acid 1104 with glycine.
Molecular consequence: missense variant.
Genome position (GRCh38, 1-based): chr7:98,930,124, A>G. VCF-style: chr7-98930124-A-G. GRCh37 (hg19) VCF-style: chr7-98527747-A-G.
Other names: c.3311A>G, p.Glu1104Gly (NM_001244580.2, NM_003496.4); c.3311A>G (NM_001244580.1); short protein forms E1104G.
Identifiers: ClinVar variation 1028623 (VCV001028623.5), dbSNP rs1790257064, ClinGen allele CA368299091.